The following is an entry in ClinVar:

ClinVar aggregate classification (germline): Uncertain significance. Review status: criteria provided, multiple submitters, no conflicts (2 of 4 stars). 3 submissions from 3 submitters: Uncertain significance (3). Last evaluated 2022-04-04.

Conditions:
Fanconi anemia complementation group P. Also called: SLX4-Related Fanconi Anemia. Identifiers: Orphanet 84, MedGen C3469542, MONDO:0013499, OMIM 613951.
Fanconi anemia (FA). Also called: Fanconi's anemia. Identifiers: Orphanet 84, MedGen C0015625, MeSH D005199, MONDO:0019391.

Allele frequency attached by ClinVar (database versions not stated): gnomAD exomes 0.00004 and 0.00001; ESP Exome Variant Server 0.00008; ExAC 0.00001; gnomAD 0.00001; TOPMed 0.00001.
gnomAD v4.1: 66 of 1,613,962 alleles (0.0041%); highest among the groups gnomAD compares: Non-Finnish European, 0.0053%; 1 homozygote.

Submissions (3):

Labcorp Genetics (formerly Invitae), Labcorp
Classification: Uncertain significance for Fanconi anemia. Last evaluated: 2022-04-04. Review status: criteria provided, single submitter. Criteria: Invitae Variant Classification Sherloc (09022015). Collection method: clinical testing. Allele origin: germline.
Comment: This sequence change replaces alanine, which is neutral and non-polar, with serine, which is neutral and polar, at codon 1643 of the SLX4 protein (p.Ala1643Ser). This variant is present in population databases (rs145557355, gnomAD 0.002%). This variant has not been reported in the literature in individuals affected with SLX4-related conditions. ClinVar contains an entry for this variant (Variation ID: 1043341). Algorithms developed to predict the effect of missense changes on protein structure and function output the following: SIFT: "Tolerated"; PolyPhen-2: "Benign"; Align-GVGD: "Class C0". The serine amino acid residue is found in multiple mammalian species, which suggests that this missense change does not adversely affect protein function. In summary, the available evidence is currently insufficient to determine the role of this variant in disease. Therefore, it has been classified as a Variant of Uncertain Significance.

Fulgent Genetics
Classification: Uncertain significance for Fanconi anemia complementation group P. Last evaluated: 2021-07-16. Review status: criteria provided, single submitter. Criteria: ACMG Guidelines, 2015. Collection method: clinical testing. Allele origin: unknown.

GeneDx
Classification: Uncertain significance. Last evaluated: 2021-05-05. Review status: criteria provided, single submitter. Criteria: GeneDx Variant Classification Process June 2021. Collection method: clinical testing. Allele origin: germline. Affected: yes.
Comment: In silico analysis supports that this missense variant does not alter protein structure/function; Observed in individuals with ovarian cancer (Song 2021); This variant is associated with the following publications: (PMID: 32546565)

NM_032444.4(SLX4):c.4927G>T (p.Ala1643Ser)

Gene: SLX4 (SLX4 structure-specific endonuclease subunit; minus strand). Cytogenetic location: 16p13.3.
Variant type: single nucleotide variant.
Coding change: c.4927G>T on transcript NM_032444.4 (MANE Select); coding-DNA position 4927, G replaced by T.
Protein change: p.Ala1643Ser; replaces alanine 1643 with serine.
Molecular consequence: missense variant.
Genome position (GRCh38, 1-based): chr16:3,583,323, C>A on the plus strand (G>T on the coding strand, the complement: SLX4 is on the minus strand). VCF-style: chr16-3583323-C-A. GRCh37 (hg19) VCF-style: chr16-3633324-C-A.
Other names: short protein forms A1643S.
Identifiers: ClinVar variation 1043341 (VCV001043341.8), dbSNP rs145557355, ClinGen allele CA7865462.